The following is an entry in ClinVar:

NM_002878.4(RAD51D):c.85G>A (p.Val29Met)

Genes: RAD51D (RAD51 paralog D; minus strand), RAD51L3-RFFL (RAD51L3-RFFL readthrough; minus strand). Cytogenetic location: 17q12.
Variant type: single nucleotide variant.
Coding change: c.85G>A on transcript NM_002878.4 (MANE Select); coding-DNA position 85, G replaced by A.
Protein change: p.Val29Met; replaces valine 29 with methionine.
Molecular consequence: missense variant. On other transcripts: non-coding transcript variant (2).
Genome position (GRCh38, 1-based): chr17:35,119,170, C>T on the plus strand (G>A on the coding strand, the complement: RAD51D is on the minus strand). VCF-style: chr17-35119170-C-T. GRCh37 (hg19) VCF-style: chr17-33446189-C-T.
Other names: c.85G>A, p.Val29Met (NM_001142571.2, NM_133629.3); short protein forms V29M.
Identifiers: ClinVar variation 492453 (VCV000492453.14), dbSNP rs1555570422, ClinGen allele CA399092040.

ClinVar aggregate classification (germline): Conflicting classifications of pathogenicity. Review status: criteria provided, conflicting classifications (1 of 4 stars). 2 submissions from 2 submitters: Uncertain significance (1); Likely benign (1). Last evaluated 2025-09-08.

Conditions:
Hereditary cancer-predisposing syndrome. Also called: Hereditary neoplastic syndrome; Tumor predisposition; Hereditary Cancer Syndrome; Neoplastic Syndromes, Hereditary. Identifiers: Orphanet 140162, MedGen C0027672, MeSH D009386, MONDO:0015356.
Breast-ovarian cancer, familial, susceptibility to, 4. Identifiers: Orphanet 145, MedGen C3280345, MONDO:0013669, OMIM 614291.

Allele frequency attached by ClinVar (database versions not stated): gnomAD exomes below 0.00001.
gnomAD v4.1: 1 of 1,613,598 alleles (0.000062%); highest among the groups gnomAD compares: Non-Finnish European, 0.000085%; no homozygotes.

Submissions (2):

Color Diagnostics, LLC DBA Color Health
Classification: Likely benign for Hereditary cancer-predisposing syndrome. Last evaluated: 2025-09-08. Review status: criteria provided, single submitter. Criteria: ACMG Guidelines, 2015. Collection method: clinical testing. Allele origin: germline.

Labcorp Genetics (formerly Invitae), Labcorp
Classification: Uncertain significance for Breast-ovarian cancer, familial, susceptibility to, 4. Last evaluated: 2023-09-20. Review status: criteria provided, single submitter. Criteria: Invitae Variant Classification Sherloc (09022015). Collection method: clinical testing. Allele origin: germline.
Comment: An algorithm developed to predict the effect of missense changes on protein structure and function (PolyPhen-2) suggests that this variant is likely to be disruptive. This variant has not been reported in the literature in individuals affected with RAD51D-related conditions. ClinVar contains an entry for this variant (Variation ID: 492453). In summary, the available evidence is currently insufficient to determine the role of this variant in disease. Therefore, it has been classified as a Variant of Uncertain Significance. This sequence change replaces valine, which is neutral and non-polar, with methionine, which is neutral and non-polar, at codon 29 of the RAD51D protein (p.Val29Met). This variant is not present in population databases (gnomAD no frequency).